The following is an entry in ClinVar:

ClinVar aggregate classification (germline): Uncertain significance (1 of 4 stars; one submission).

Submission:

Labcorp Genetics (formerly Invitae), Labcorp
Classification: Uncertain significance. Last evaluated: 2022-10-24. Review status: criteria provided, single submitter. Criteria: Invitae Variant Classification Sherloc (09022015). Collection method: clinical testing. Allele origin: germline.
Comment: In summary, the available evidence is currently insufficient to determine the role of this variant in disease. Therefore, it has been classified as a Variant of Uncertain Significance. Algorithms developed to predict the effect of missense changes on protein structure and function (SIFT, PolyPhen-2, Align-GVGD) all suggest that this variant is likely to be tolerated. This variant has not been reported in the literature in individuals affected with EXTL3-related conditions. This variant is not present in population databases (gnomAD no frequency). This sequence change replaces methionine, which is neutral and non-polar, with isoleucine, which is neutral and non-polar, at codon 6 of the EXTL3 protein (p.Met6Ile).

NM_001440.4(EXTL3):c.18G>A (p.Met6Ile)

Gene: EXTL3 (exostosin like glycosyltransferase 3; plus strand). Cytogenetic location: 8p21.1.
Variant type: single nucleotide variant.
Coding change: c.18G>A on transcript NM_001440.4 (MANE Select); coding-DNA position 18, G replaced by A.
Protein change: p.Met6Ile; replaces methionine 6 with isoleucine.
Molecular consequence: missense variant.
Genome position (GRCh38, 1-based): chr8:28,716,077, G>A. VCF-style: chr8-28716077-G-A. GRCh37 (hg19) VCF-style: chr8-28573594-G-A.
Other names: short protein forms M6I.
Identifiers: ClinVar variation 2005393 (VCV002005393.4), dbSNP rs2486616730, ClinGen allele CA370852825.